The following is an entry in ClinVar:

NM_032447.5(FBN3):c.1891C>T (p.Arg631Cys)

Gene: FBN3 (fibrillin 3; minus strand). Cytogenetic location: 19p13.2.
Variant type: single nucleotide variant.
Coding change: c.1891C>T on transcript NM_032447.5 (MANE Select); coding-DNA position 1891, C replaced by T.
Protein change: p.Arg631Cys; replaces arginine 631 with cysteine.
Molecular consequence: missense variant.
Genome position (GRCh38, 1-based): chr19:8,131,653, G>A on the plus strand (C>T on the coding strand, the complement: FBN3 is on the minus strand). VCF-style: chr19-8131653-G-A. GRCh37 (hg19) VCF-style: chr19-8196537-G-A.
Other names: c.1891C>T, p.Arg631Cys (NM_001321431.2); short protein forms R631C.
Identifiers: ClinVar variation 4871281 (VCV004871281.1).

ClinVar aggregate classification (germline): Uncertain significance (1 of 4 stars; one submission).

gnomAD v4.1: 11 of 1,614,092 alleles (0.00068%); highest among the groups gnomAD compares: African/African-American, 0.0027%; no homozygotes.

Submission:

Ambry Genetics
Classification: Uncertain significance. Last evaluated: 2026-04-22. Review status: criteria provided, single submitter. Criteria: Ambry Variant Classification Scheme 2023. Collection method: clinical testing. Allele origin: germline.
Comment: The c.1891C>T (p.R631C) alteration is located in exon 14 (coding exon 14) of the FBN3 gene. This alteration results from a C to T substitution at nucleotide position 1891, causing the arginine (R) at amino acid position 631 to be replaced by a cysteine (C). Based on data from gnomAD, the T allele has an overall frequency of <0.001% (1/251110) total alleles studied. The highest observed frequency was 0.003% (1/34576) of Latino alleles. Based on insufficient or conflicting evidence, the clinical significance of this alteration remains unclear.